The following is an entry in ClinVar:

ClinVar aggregate classification (germline): Benign/Likely benign. Review status: criteria provided, multiple submitters, no conflicts (2 of 4 stars). 4 submissions from 4 submitters: Benign (1); Likely benign (3). Last evaluated 2025-01-02.

Conditions:
Hereditary cancer-predisposing syndrome. Also called: Neoplastic Syndromes, Hereditary; Hereditary neoplastic syndrome; Hereditary Cancer Syndrome; Tumor predisposition. Identifiers: Orphanet 140162, MedGen C0027672, MeSH D009386, MONDO:0015356.
Lynch syndrome 5 (LYNCH5). Also called: Colorectal cancer, hereditary nonpolyposis, type 5; Hereditary non-polyposis colorectal cancer, type 5. Identifiers: Orphanet 144, MedGen C1833477, MONDO:0013710, OMIM 614350. Disease mechanism: loss of function.
Hereditary nonpolyposis colorectal neoplasms. Identifiers: MedGen C0009405, MeSH D003123.

Submissions (4):

Myriad Genetics, Inc.
Classification: Benign for Lynch syndrome 5. Last evaluated: 2025-01-02. Review status: criteria provided, single submitter. Criteria: Myriad Autosomal Dominant, Autosomal Recessive and X-Linked Classification Criteria (2023). Collection method: clinical testing. Allele origin: unknown.
Comment: This variant is considered benign. This variant is a silent/synonymous amino acid change and it is not expected to impact splicing.

Labcorp Genetics (formerly Invitae), Labcorp
Classification: Likely benign for Hereditary nonpolyposis colorectal neoplasms. Last evaluated: 2023-07-12. Review status: criteria provided, single submitter. Criteria: Invitae Variant Classification Sherloc (09022015). Collection method: clinical testing. Allele origin: germline.

Ambry Genetics
Classification: Likely benign for Hereditary cancer-predisposing syndrome. Last evaluated: 2022-07-25. Review status: criteria provided, single submitter. Criteria: Ambry Variant Classification Scheme 2023. Collection method: clinical testing. Allele origin: germline.

GeneDx
Classification: Likely benign. Last evaluated: 2019-10-21. Review status: criteria provided, single submitter. Criteria: GeneDx Variant Classification Process June 2021. Collection method: clinical testing. Allele origin: germline. Affected: yes.

NM_000179.3(MSH6):c.2901A>T (p.Ile967=)

Gene: MSH6 (mutS homolog 6; plus strand). Cytogenetic location: 2p16.3.
Variant type: single nucleotide variant.
Coding change: c.2901A>T on transcript NM_000179.3 (MANE Select); coding-DNA position 2901, A replaced by T.
Protein change: p.Ile967=; no amino-acid change (isoleucine 967 retained).
Molecular consequence: synonymous variant.
Genome position (GRCh38, 1-based): chr2:47,800,884, A>T. VCF-style: chr2-47800884-A-T. GRCh37 (hg19) VCF-style: chr2-48028023-A-T.
Other names: c.2511A>T, p.Ile837= (NM_001281492.2); c.1995A>T, p.Ile665= (NM_001281493.2, NM_001281494.2).
Identifiers: ClinVar variation 1202230 (VCV001202230.9), dbSNP rs863224330, ClinGen allele CA426122014.
Genomic context (GRCh38, chr2:47,800,884, plus strand): 5'-TGAACAGAGCCTCCTGGAATACCTAGAGAAACAGCGCAACAGAATTGGCTGTAGGACCAT[A>T]GTCTATTGGGGGATTGGTAGGAACCGTTACCAGCTGGAAATTCCTGAGAATTTCACCACT-3'
Protein context (NP_000170.1, residues 957-977): KQRNRIGCRT[Ile967=]VYWGIGRNRY